The following is an entry in ClinVar:

NM_153603.4(COG7):c.1717C>T (p.Arg573Trp)

Gene: COG7 (component of oligomeric golgi complex 7; minus strand). Cytogenetic location: 16p12.2.
Variant type: single nucleotide variant.
Coding change: c.1717C>T on transcript NM_153603.4 (MANE Select); coding-DNA position 1717, C replaced by T.
Protein change: p.Arg573Trp; replaces arginine 573 with tryptophan.
Molecular consequence: missense variant.
Genome position (GRCh38, 1-based): chr16:23,403,780, G>A on the plus strand (C>T on the coding strand, the complement: COG7 is on the minus strand). VCF-style: chr16-23403780-G-A. GRCh37 (hg19) VCF-style: chr16-23415101-G-A.
Other names: short protein forms R573W.
Identifiers: ClinVar variation 318469 (VCV000318469.9), dbSNP rs548129734, ClinGen allele CA7960900.

ClinVar aggregate classification (germline): Uncertain significance. Review status: criteria provided, multiple submitters, no conflicts (2 of 4 stars). 5 submissions from 5 submitters: Uncertain significance (4). 1 of the submissions does not count toward it. Last evaluated 2024-09-18.

Conditions:
COG7 congenital disorder of glycosylation (CDG2E). Also called: CONGENITAL DISORDER OF GLYCOSYLATION, TYPE IIe; CDG IIe. Identifiers: Orphanet 79333, MedGen C2931010, MONDO:0012118, OMIM 608779.

Allele frequency attached by ClinVar (database versions not stated): ExAC 0.00001; gnomAD 0.00001; TOPMed 0.00001; gnomAD exomes 0.00002; 1000 Genomes Project 30x 0.00016; 1000 Genomes Project 0.00020.
gnomAD v4.1: 40 of 1,614,208 alleles (0.0025%); highest among the groups gnomAD compares: East Asian, 0.0067%; no homozygotes.

Submissions (5):

Blueprint Genetics
Classification: Uncertain significance. Last evaluated: 2024-09-18. Review status: criteria provided, single submitter. Criteria: ACMG Guidelines, 2015. Collection method: clinical testing. Allele origin: germline.

Baylor Genetics
Classification: Uncertain significance for COG7 congenital disorder of glycosylation. Last evaluated: 2020-05-05. Review status: criteria provided, single submitter. Criteria: ACMG Guidelines, 2015. Collection method: clinical testing. Allele origin: unknown. Affected: yes.
Comment: This variant was determined to be of uncertain significance according to ACMG Guidelines, 2015 [PMID:25741868].

Illumina Laboratory Services, Illumina
Classification: Uncertain significance for COG7 congenital disorder of glycosylation. Last evaluated: 2018-01-13. Review status: criteria provided, single submitter. Criteria: ICSL Variant Classification Criteria 13 December 2019. Collection method: clinical testing. Allele origin: germline.

Breakthrough Genomics
Classification: Uncertain significance. Review status: criteria provided, single submitter. Criteria: ACMG Guidelines, 2015. Collection method: not provided. Allele origin: germline. Inheritance: Autosomal recessive inheritance. Affected: yes.

Biochemical Molecular Genetic Laboratory, King Abdulaziz Medical City
Classification: Likely pathogenic for COG7 congenital disorder of glycosylation. Last evaluated: 2019-09-26. Review status: no assertion criteria provided. Collection method: clinical testing. Allele origin: germline. Affected: yes. Not counted in ClinVar's aggregate classification.